The following is an entry in ClinVar:

ClinVar aggregate classification (germline): Conflicting classifications of pathogenicity. Review status: criteria provided, conflicting classifications (1 of 4 stars). 4 submissions from 4 submitters: Uncertain significance (2); Likely benign (2). Last evaluated 2025-02-05.

Allele frequency attached by ClinVar (database versions not stated): gnomAD exomes 0.00001; ExAC 0.00002.
gnomAD v4.1: 11 of 999,816 alleles (0.0011%); highest among the groups gnomAD compares: South Asian, 0.0016%; no homozygotes.

Submissions (4):

Women's Health and Genetics/Laboratory Corporation of America, LabCorp
Classification: Uncertain significance. Last evaluated: 2025-02-05. Review status: criteria provided, single submitter. Criteria: LabCorp Variant Classification Summary - May 2015. Collection method: clinical testing. Allele origin: germline.
Comment: Variant summary: NDUFAF5 c.222+7C>T alters a non-conserved nucleotide located close to a canonical splice site and therefore could affect mRNA splicing, leading to a significantly altered protein sequence. Consensus agreement among computation tools predict no significant impact on normal splicing. However, these predictions have yet to be confirmed by functional studies. The variant allele was found at a frequency of 1.1e-05 in 999816 control chromosomes. This frequency is not significantly higher than estimated for a pathogenic variant in NDUFAF5 causing Leigh Syndrome (1.1e-05 vs 0.00056), allowing no conclusion about variant significance. To our knowledge, no occurrence of c.222+7C>T in individuals affected with Leigh Syndrome and no experimental evidence demonstrating its impact on protein function have been reported. ClinVar contains an entry for this variant (Variation ID: 1099838). Based on the evidence outlined above, the variant was classified as uncertain significance.

Labcorp Genetics (formerly Invitae), Labcorp
Classification: Likely benign. Last evaluated: 2024-03-25. Review status: criteria provided, single submitter. Criteria: Invitae Variant Classification Sherloc (09022015). Collection method: clinical testing. Allele origin: germline.

Blueprint Genetics
Classification: Likely benign. Last evaluated: 2024-01-08. Review status: criteria provided, single submitter. Criteria: ACMG Guidelines, 2015. Collection method: clinical testing. Allele origin: germline.

CeGaT Center for Human Genetics Tuebingen
Classification: Uncertain significance. Last evaluated: 2023-09-01. Review status: criteria provided, single submitter. Criteria: CeGaT Center For Human Genetics Tuebingen Variant Classification Criteria Version 2. Collection method: clinical testing. Allele origin: germline. Affected: yes. Observed: 1 variant allele.
Comment: NDUFAF5: PM2, BP4

NM_024120.5(NDUFAF5):c.222+7C>T

Gene: NDUFAF5 (NADH:ubiquinone oxidoreductase complex assembly factor 5; plus strand). Cytogenetic location: 20p12.1.
Variant type: single nucleotide variant.
Coding change: c.222+7C>T on transcript NM_024120.5 (MANE Select); 7 bases into the intron after coding-DNA position 222, C replaced by T.
Molecular consequence: intron variant.
Genome position (GRCh38, 1-based): chr20:13,785,297, C>T. VCF-style: chr20-13785297-C-T. GRCh37 (hg19) VCF-style: chr20-13765943-C-T.
Other names: c.-474+7C>T (NM_001352407.2); c.-360+7C>T (NM_001352406.2); c.222+7C>T (NM_001039375.3, NM_001352408.2); c.-146+7C>T (NM_001352403.2).
Identifiers: ClinVar variation 1099838 (VCV001099838.34), dbSNP rs777576855, ClinGen allele CA9767615.